The following is an entry in ClinVar:

ClinVar aggregate classification (germline): Benign/Likely benign. Review status: criteria provided, multiple submitters, no conflicts (2 of 4 stars). 7 submissions from 7 submitters: Benign (5); Likely benign (1). 1 of the submissions does not count toward it. Last evaluated 2026-01-31.

Conditions:
Hereditary cancer-predisposing syndrome. Also called: Tumor predisposition; Hereditary neoplastic syndrome; Neoplastic Syndromes, Hereditary; Hereditary Cancer Syndrome. Identifiers: Orphanet 140162, MedGen C0027672, MeSH D009386, MONDO:0015356.
Neuroblastoma, susceptibility to, 3. Also called: ALK-Related Neuroblastic Tumor Susceptibility. Identifiers: Orphanet 635, MedGen C2751681, MONDO:0013083, OMIM 613014.

Allele frequency attached by ClinVar (database versions not stated): gnomAD 0.00003; TOPMed 0.00005; gnomAD exomes 0.00052; ExAC 0.00112; 1000 Genomes Project 30x 0.00328; 1000 Genomes Project 0.00399.
gnomAD v4.1: 817 of 1,614,172 alleles (0.051%); highest among the groups gnomAD compares: South Asian, 0.85%; 10 homozygotes.

Submissions (7):

Labcorp Genetics (formerly Invitae), Labcorp
Classification: Benign for Neuroblastoma, susceptibility to, 3. Last evaluated: 2026-01-31. Review status: criteria provided, single submitter. Criteria: Invitae Variant Classification Sherloc (09022015). Collection method: clinical testing. Allele origin: germline.

Ambry Genetics
Classification: Benign for Hereditary cancer-predisposing syndrome. Last evaluated: 2024-06-25. Review status: criteria provided, single submitter. Criteria: Ambry Variant Classification Scheme 2023. Collection method: clinical testing. Allele origin: germline.

KCCC/NGS Laboratory, Kuwait Cancer Control Center
Classification: Benign for Neuroblastoma, susceptibility to, 3. Last evaluated: 2023-07-07. Review status: criteria provided, single submitter. Criteria: ACMG Guidelines, 2015. Collection method: clinical testing. Allele origin: germline. Affected: yes.

Sema4
Classification: Likely benign for Hereditary cancer-predisposing syndrome. Last evaluated: 2021-02-18. Review status: criteria provided, single submitter. Criteria: Sema4 Curation Guidelines. Collection method: curation. Allele origin: germline.

Illumina Laboratory Services, Illumina
Classification: Benign for Neuroblastoma, susceptibility to, 3. Last evaluated: 2018-01-12. Review status: criteria provided, single submitter. Criteria: ICSL Variant Classification Criteria 13 December 2019. Collection method: clinical testing. Allele origin: germline.
Comment: This variant was observed in the ICSL laboratory as part of a predisposition screen in an ostensibly healthy population. It had not been previously curated by ICSL or reported in the Human Gene Mutation Database (HGMD: prior to June 1st, 2018), and was therefore a candidate for classification through an automated scoring system. Utilizing variant allele frequency, disease prevalence and penetrance estimates, and inheritance mode, an automated score was calculated to assess if this variant is too frequent to cause the disease. Based on the score and internal cut-off values, a variant classified as benign is not then subjected to further curation. The score for this variant resulted in a classification of benign for this disease.

Breakthrough Genomics
Classification: Benign. Review status: criteria provided, single submitter. Criteria: ACMG Guidelines, 2015. Collection method: not provided. Allele origin: germline. Inheritance: Unknown mechanism. Affected: yes.

ITMI
No classification provided. Condition: AllHighlyPenetrant. Last evaluated: 2013-09-19. Review status: no classification provided. Collection method: reference population. Allele origin: germline. Not counted in ClinVar's aggregate classification.
Comment: Please see associated publication for description of ethnicities

Literature cited by the submitters: PubMed 24728327 (cited by ITMI).

NM_004304.5(ALK):c.2127C>A (p.Asn709Lys)

Gene: ALK (ALK receptor tyrosine kinase; minus strand). Cytogenetic location: 2p23.2.
Variant type: single nucleotide variant.
Coding change: c.2127C>A on transcript NM_004304.5 (MANE Select); coding-DNA position 2127, C replaced by A.
Protein change: p.Asn709Lys; replaces asparagine 709 with lysine.
Molecular consequence: missense variant.
Genome position (GRCh38, 1-based): chr2:29,251,182, G>T on the plus strand (C>A on the coding strand, the complement: ALK is on the minus strand). VCF-style: chr2-29251182-G-T. GRCh37 (hg19) VCF-style: chr2-29474048-G-T.
Other names: short protein forms N709K.
Identifiers: ClinVar variation 133463 (VCV000133463.19), dbSNP rs376175333, ClinGen allele CA156605.
Genomic context (GRCh38, chr2:29,251,182, plus strand): 5'-TGGCACCTTCCAGATCTGGATGCCTTTCAGGGGGCCCTCGCTCCCCACCTCCACGCTCAG[G>T]TTGGAGTTCTGGTAGGCGTTGTTGCACTGTGCCTGGGTGGGGCCATGGGGCCCGCTGGCC-3'
Protein context (NP_004295.2, residues 699-719): AQCNNAYQNS[Asn709Lys]LSVEVGSEGP